The following is an entry in ClinVar:

NM_000195.5(HPS1):c.1507C>T (p.Gln503Ter)

Gene: HPS1 (HPS1 biogenesis of lysosomal organelles complex 3 subunit 1; minus strand). Cytogenetic location: 10q24.2.
Variant type: single nucleotide variant.
Coding change: c.1507C>T on transcript NM_000195.5 (MANE Select); coding-DNA position 1507, C replaced by T.
Protein change: p.Gln503Ter; replaces glutamine 503 with a stop codon.
Molecular consequence: nonsense.
Genome position (GRCh38, 1-based): chr10:98,423,778, G>A on the plus strand (C>T on the coding strand, the complement: HPS1 is on the minus strand). VCF-style: chr10-98423778-G-A. GRCh37 (hg19) VCF-style: chr10-100183535-G-A.
Other names: NM_001322489.2:c.535C>T; c.535C>T, p.Gln179Ter (NM_001311345.2, NM_001322487.2, NM_001322489.2); c.1507C>T, p.Gln503Ter (NM_001322476.2, NM_001322477.2); c.1408C>T, p.Gln470Ter (NM_001322478.2, NM_001322479.2); c.1246C>T, p.Gln416Ter (NM_001322480.2, NM_001322481.2); c.1147C>T, p.Gln383Ter (NM_001322482.2); c.1138C>T, p.Gln380Ter (NM_001322483.2, NM_001322484.2); c.1039C>T, p.Gln347Ter (NM_001322485.2); short protein forms Q179*, Q347*, Q380*, Q383*, Q416*, Q470*, Q503*.
Identifiers: ClinVar variation 1341377 (VCV001341377.2), dbSNP rs748888649, ClinGen allele CA5639010.
Genomic context (GRCh38, chr10:98,423,778, plus strand): 5'-TGCCCTGGCCACCCAGGGGGCCGCACTGCACTTACCGCATGAGCCTCTGCACTTGGTCCT[G>A]CAGGTGCTGGGGCAGGTGTGGGCCTCCCCTGCTGGGGGCTGTGGTCAGAAAGTTCAGCCG-3'

ClinVar aggregate classification (germline): Pathogenic. Review status: criteria provided, multiple submitters, no conflicts (2 of 4 stars). 2 submissions from 2 submitters: Pathogenic (2). Last evaluated 2025-03-15.

Conditions:
Hermansky-Pudlak syndrome (HPS). Also called: ALBINISM WITH HEMORRHAGIC DIATHESIS AND PIGMENTED RETICULOENDOTHELIAL CELLS. Identifiers: Orphanet 79430, MedGen C0079504, MONDO:0019312.
Hermansky-Pudlak syndrome 1 (HPS1). Also called: DELTA STORAGE POOL DISEASE. Identifiers: Orphanet 231500, Orphanet 79430, MedGen C2931875, MONDO:0008748, OMIM 203300.

Allele frequency attached by ClinVar (database versions not stated): gnomAD exomes below 0.00001; ExAC 0.00001.
gnomAD v4.1: 2 of 1,614,124 alleles (0.00012%); highest among the groups gnomAD compares: South Asian, 0.0011%; no homozygotes.

Submissions (2):

Myriad Genetics, Inc.
Classification: Pathogenic for Hermansky-Pudlak syndrome 1. Last evaluated: 2025-03-15. Review status: criteria provided, single submitter. Criteria: Myriad Autosomal Dominant, Autosomal Recessive and X-Linked Classification Criteria (2023). Collection method: clinical testing. Allele origin: unknown.
Comment: NM_000195.3(HPS1):c.1507C>T(Q503*) is expected to be pathogenic in the context of Hermansky-Pudlak syndrome, HPS1-related. This variant is predicted to lead to an abnormal or absent protein product due to the creation of a premature termination codon in HPS1, a gene where loss-of-function variants are known to be pathogenic. Please note: this variant was assessed in the context of healthy population screening.

Broad Center for Mendelian Genomics, Broad Institute of MIT and Harvard
Classification: Pathogenic for Hermansky-Pudlak syndrome. Last evaluated: 2021-11-29. Review status: criteria provided, single submitter. Criteria: ACMG Guidelines, 2015. Collection method: curation. Allele origin: germline. Inheritance: Autosomal recessive inheritance.
Comment: The p.Gln503Ter variant in HPS1 has been reported in 1 individual, in the compound heterozygous state, with Hermansky-Pudlak syndrome (PMID: 31619213), and has been identified in 0.003% (1/30614) of South Asian chromosomes by the Genome Aggregation Database (gnomAD; dbSNP ID: rs748888649). Although this variant has been seen in the general population in a heterozygous state, its frequency is low enough to be consistent with a recessive carrier frequency. This nonsense variant leads to a premature termination codon at position 503, which is predicted to lead to a truncated or absent protein. Loss of function of the HPS1 gene is an established disease mechanism in autosomal recessive Hermansky-Pudlak syndrome. In summary, this variant meets criteria to be classified as pathogenic for autosomal recessive Hermansky-Pudlak syndrome. ACMG/AMP Criteria applied: PM3, PM2_supporting, PVS1 (Richards 2015).